The following is an entry in ClinVar:

ClinVar aggregate classification (germline): Benign/Likely benign. Review status: criteria provided, multiple submitters, no conflicts (2 of 4 stars). 2 submissions from 2 submitters: Benign (1); Likely benign (1). Last evaluated 2024-10-29.

Conditions:
Prostate cancer, hereditary, 9 (HPC9). Identifiers: Orphanet 1331, MedGen C1970250, MONDO:0012597, OMIM 610997.

Submissions (2):

Myriad Genetics, Inc.
Classification: Benign for Prostate cancer, hereditary, 9. Last evaluated: 2024-10-29. Review status: criteria provided, single submitter. Criteria: Myriad Autosomal Dominant, Autosomal Recessive and X-Linked Classification Criteria (2023). Collection method: clinical testing. Allele origin: unknown.
Comment: This variant is considered benign. This variant is a silent/synonymous amino acid change and it is not expected to impact splicing.

Labcorp Genetics (formerly Invitae), Labcorp
Classification: Likely benign. Last evaluated: 2020-06-15. Review status: criteria provided, single submitter. Criteria: Invitae Variant Classification Sherloc (09022015). Collection method: clinical testing. Allele origin: germline.

NM_006361.6(HOXB13):c.237T>C (p.Pro79=)

Gene: HOXB13 (homeobox B13; minus strand). Cytogenetic location: 17q21.32.
Variant type: single nucleotide variant.
Coding change: c.237T>C on transcript NM_006361.6 (MANE Select); coding-DNA position 237, T replaced by C.
Protein change: p.Pro79=; no amino-acid change (proline 79 retained).
Molecular consequence: synonymous variant.
Genome position (GRCh38, 1-based): chr17:48,728,357, A>G on the plus strand (T>C on the coding strand, the complement: HOXB13 is on the minus strand). VCF-style: chr17-48728357-A-G. GRCh37 (hg19) VCF-style: chr17-46805719-A-G.
Identifiers: ClinVar variation 1093951 (VCV001093951.10), dbSNP rs2143073536, ClinGen allele CA500661998.